The following is an entry in ClinVar:

NM_001205293.3(CACNA1E):c.2734G>T (p.Ala912Ser)

Gene: CACNA1E (calcium voltage-gated channel subunit alpha1 E; plus strand). Cytogenetic location: 1q25.3.
Variant type: single nucleotide variant.
Coding change: c.2734G>T on transcript NM_001205293.3 (MANE Select); coding-DNA position 2734, G replaced by T.
Protein change: p.Ala912Ser; replaces alanine 912 with serine.
Molecular consequence: missense variant.
Genome position (GRCh38, 1-based): chr1:181,732,820, G>T. VCF-style: chr1-181732820-G-T. GRCh37 (hg19) VCF-style: chr1-181701956-G-T.
Other names: c.2734G>T, p.Ala912Ser (NM_000721.4); c.2677G>T, p.Ala893Ser (NM_001205294.2); short protein forms A893S, A912S.
Identifiers: ClinVar variation 2852876 (VCV002852876.3), dbSNP rs1444091369, ClinGen allele CA343618765.
Genomic context (GRCh38, chr1:181,732,820, plus strand): 5'-TGTGACCCGACTCAGCAGGAGGCAGGGGGAGGAGAGGCTGTGGTGACCTTTGAGGACCGG[G>T]CCAGGCACAGGCAGAGCCAACGGCGCAGCCGGCATCGCCGCGTCAGGACAGAAGGCAAGG-3'
Protein context (NP_001192222.1, residues 902-922): GEAVVTFEDR[Ala912Ser]RHRQSQRRSR

ClinVar aggregate classification (germline): Uncertain significance (1 of 4 stars; one submission).

Submission:

Labcorp Genetics (formerly Invitae), Labcorp
Classification: Uncertain significance. Last evaluated: 2023-04-06. Review status: criteria provided, single submitter. Criteria: Invitae Variant Classification Sherloc (09022015). Collection method: clinical testing. Allele origin: germline.
Comment: This sequence change replaces alanine, which is neutral and non-polar, with serine, which is neutral and polar, at codon 912 of the CACNA1E protein (p.Ala912Ser). This variant is not present in population databases (gnomAD no frequency). This variant has not been reported in the literature in individuals affected with CACNA1E-related conditions. Advanced modeling of protein sequence and biophysical properties (such as structural, functional, and spatial information, amino acid conservation, physicochemical variation, residue mobility, and thermodynamic stability) has been performed at Invitae for this missense variant, however the output from this modeling did not meet the statistical confidence thresholds required to predict the impact of this variant on CACNA1E protein function. In summary, the available evidence is currently insufficient to determine the role of this variant in disease. Therefore, it has been classified as a Variant of Uncertain Significance.